The following is an entry in ClinVar:

ClinVar aggregate classification (germline): Likely pathogenic (1 of 4 stars; one submission).

Conditions:
Abnormal heart morphology. Also called: Abnormality of cardiac morphology; Heart, malformation of. Identifiers: MedGen C0018798, MeSH D006330, HP:0001627.

Submission:

Institute of Human Genetics, University of Leipzig Medical Center
Classification: Likely pathogenic for Abnormal heart morphology. Last evaluated: 2021-01-09. Review status: criteria provided, single submitter. Criteria: ACMG Guidelines, 2015. Collection method: curation. Allele origin: de novo. Inheritance: Autosomal dominant inheritance. Affected: yes.
Comment: This variant was reported as 3 78695341 C G in an individual (PP1549) with Cardiac (PMID: 30712880 (lord2019)). Inheritance was reported as dominant (heterozygous) (de novo). The variant was reviewed according to current ACMG recommendations and classified as Likely Pathogenic (criteria: PVS1_VeryStrong, PS2_Moderate, PM2_Supporting) at the variant level; the gene-disease association is currently not established in curated databases.

Literature cited by the submitters: PubMed 30712880.

NM_002941.4(ROBO1):c.2840-1G>C

Gene: ROBO1 (roundabout guidance receptor 1; minus strand). Cytogenetic location: 3p12.3.
Variant type: single nucleotide variant.
Coding change: c.2840-1G>C on transcript NM_002941.4 (MANE Select); the canonical splice acceptor site of the intron before coding-DNA position 2840, G replaced by C.
Molecular consequence: splice acceptor variant.
Genome position (GRCh38, 1-based): chr3:78,646,191, C>G on the plus strand (G>C on the coding strand, the complement: ROBO1 is on the minus strand). VCF-style: chr3-78646191-C-G. GRCh37 (hg19) VCF-style: chr3-78695341-C-G.
Other names: c.2705-1G>C (NM_001145845.2, NM_133631.4).
Identifiers: ClinVar variation 995983 (VCV000995983.1), dbSNP rs1706274257, ClinGen allele CA353657343.